The following is an entry in ClinVar:

NM_017633.3(TENT5A):c.1236A>G (p.Ala412=)

Gene: TENT5A (terminal nucleotidyltransferase 5A; minus strand). Cytogenetic location: 6q14.1.
Variant type: single nucleotide variant.
Coding change: c.1236A>G on transcript NM_017633.3 (MANE Select); coding-DNA position 1236, A replaced by G.
Protein change: p.Ala412=; no amino-acid change (alanine 412 retained).
Molecular consequence: synonymous variant.
Genome position (GRCh38, 1-based): chr6:81,749,788, T>C on the plus strand (A>G on the coding strand, the complement: TENT5A is on the minus strand). VCF-style: chr6-81749788-T-C. GRCh37 (hg19) VCF-style: chr6-82459505-T-C.
Identifiers: ClinVar variation 746643 (VCV000746643.13), dbSNP rs148802326, ClinGen allele CA3902906.
Genomic context (GRCh38, chr6:81,749,788, plus strand): 5'-TTGCTGGCACGTGAATACTGGCTGAACCTGTGCAATGTAGTAATTGCTAAAGTTGGCATC[T>C]GCTACATAGGGGGCTGGCTGGTAATAGCAAGTGACATTAGCCACATTAGGAATGACATTT-3'
Protein context (NP_060103.2, residues 402-422): TCYYQPAPYV[Ala412=]DANFSNYYIA

ClinVar aggregate classification (germline): Benign/Likely benign. Review status: criteria provided, multiple submitters, no conflicts (2 of 4 stars). 3 submissions from 3 submitters: Benign (2); Likely benign (1). Last evaluated 2025-12-08.

Conditions:
TENT5A-related disorder. Also called: TENT5A-related condition.

Allele frequency attached by ClinVar (database versions not stated): gnomAD exomes 0.00020 and 0.00066; gnomAD 0.00021 and 0.00029; TOPMed 0.00029; ExAC 0.00069; 1000 Genomes Project 30x 0.00187; 1000 Genomes Project 0.00220.
gnomAD v4.1: 359 of 1,614,172 alleles (0.022%); highest among the groups gnomAD compares: East Asian, 0.71%; no homozygotes.

Submissions (3):

Labcorp Genetics (formerly Invitae), Labcorp
Classification: Benign. Last evaluated: 2025-12-08. Review status: criteria provided, single submitter. Criteria: Invitae Variant Classification Sherloc (09022015). Collection method: clinical testing. Allele origin: germline.

PreventionGenetics, part of Exact Sciences
Classification: Benign for TENT5A-related condition. Last evaluated: 2025-10-20. Review status: criteria provided, single submitter. Criteria: ACMG Guidelines, 2015. Collection method: clinical testing. Allele origin: germline.
Comment: This variant is classified as benign based on ACMG/AMP sequence variant interpretation guidelines (Richards et al. 2015 PMID: 25741868, with internal and published modifications).

Blueprint Genetics
Classification: Likely benign. Last evaluated: 2024-07-17. Review status: criteria provided, single submitter. Criteria: ACMG Guidelines, 2015. Collection method: clinical testing. Allele origin: germline.